The following is an entry in ClinVar:

ClinVar aggregate classification (germline): Likely pathogenic (1 of 4 stars; one submission).

Conditions:
KIDINS220-related disorder. Also called: KIDINS220-related condition.

Submission:

PreventionGenetics, part of Exact Sciences
Classification: Likely pathogenic for KIDINS220-related condition. Last evaluated: 2025-12-28. Review status: criteria provided, single submitter. Criteria: ACMG Guidelines, 2015. Collection method: clinical testing. Allele origin: germline.
Comment: The KIDINS220 c.215G>A variant is predicted to result in premature protein termination (p.Trp72*). To our knowledge, this variant has not been reported in the literature or in a large population database (gnomAD), indicating this variant is rare. Nonsense variants in KIDINS220 are expected to be pathogenic. However, this variant is located in exon 4 of 30, and therefore is expected to be pathogenic only for autosomal recessive KIDINS220 associated disorders. This variant is interpreted as likely pathogenic.

NM_020738.4(KIDINS220):c.215G>A (p.Trp72Ter)

Gene: KIDINS220 (kinase D interacting substrate 220; minus strand). Cytogenetic location: 2p25.1.
Variant type: single nucleotide variant.
Coding change: c.215G>A on transcript NM_020738.4 (MANE Select); coding-DNA position 215, G replaced by A.
Protein change: p.Trp72Ter; replaces tryptophan 72 with a stop codon.
Molecular consequence: nonsense. On other transcripts: non-coding transcript variant (2).
Genome position (GRCh38, 1-based): chr2:8,817,709, C>T on the plus strand (G>A on the coding strand, the complement: KIDINS220 is on the minus strand). VCF-style: chr2-8817709-C-T. GRCh37 (hg19) VCF-style: chr2-8957839-C-T.
Other names: c.215G>A, p.Trp72Ter (NM_001348729.2, NM_001348731.2, NM_001348732.2 and 9 more transcripts); c.89G>A, p.Trp30Ter (NM_001348736.2); short protein forms W30*, W72*.
Identifiers: ClinVar variation 4992760 (VCV004992760.1).
Genomic context (GRCh38, chr2:8,817,709, plus strand): 5'-TTCAGTAGTTCCTCTACGATGTGCACATGCCCTTCTTTCGATGCAGATATAAGTGCTGTC[C>T]AATTATCCTTGAACATATATTTTAAAAGTTATCATTTTCAAACCAAAAATAACACGTCAA-3'